The following is an entry in ClinVar:

NM_002227.4(JAK1):c.278G>A (p.Arg93His)

Gene: JAK1 (Janus kinase 1; minus strand). Cytogenetic location: 1p31.3.
Variant type: single nucleotide variant.
Coding change: c.278G>A on transcript NM_002227.4 (MANE Select); coding-DNA position 278, G replaced by A.
Protein change: p.Arg93His; replaces arginine 93 with histidine.
Molecular consequence: missense variant.
Genome position (GRCh38, 1-based): chr1:64,879,076, C>T on the plus strand (G>A on the coding strand, the complement: JAK1 is on the minus strand). VCF-style: chr1-64879076-C-T. GRCh37 (hg19) VCF-style: chr1-65344759-C-T.
Other names: c.278G>A, p.Arg93His (NM_001320923.2, NM_001321852.2, NM_001321853.2 and 4 more transcripts); short protein forms R93H.
Identifiers: ClinVar variation 1991622 (VCV001991622.4), dbSNP rs1644728239, ClinGen allele CA340678934.

ClinVar aggregate classification (germline): Uncertain significance (1 of 4 stars; one submission).

Allele frequency attached by ClinVar (database versions not stated): gnomAD exomes below 0.00001.
gnomAD v4.1: 6 of 1,613,760 alleles (0.00037%); highest among the groups gnomAD compares: Non-Finnish European, 0.00042%; no homozygotes.

Submission:

Labcorp Genetics (formerly Invitae), Labcorp
Classification: Uncertain significance. Last evaluated: 2022-06-01. Review status: criteria provided, single submitter. Criteria: Invitae Variant Classification Sherloc (09022015). Collection method: clinical testing. Allele origin: germline.
Comment: This sequence change replaces arginine, which is basic and polar, with histidine, which is basic and polar, at codon 93 of the JAK1 protein (p.Arg93His). This variant is not present in population databases (gnomAD no frequency). This variant has not been reported in the literature in individuals affected with JAK1-related conditions. Algorithms developed to predict the effect of missense changes on protein structure and function output the following: SIFT: "Not Available"; PolyPhen-2: "Benign"; Align-GVGD: "Not Available". The histidine amino acid residue is found in multiple mammalian species, which suggests that this missense change does not adversely affect protein function. In summary, the available evidence is currently insufficient to determine the role of this variant in disease. Therefore, it has been classified as a Variant of Uncertain Significance.